The following is an entry in ClinVar:

ClinVar aggregate classification (germline): Conflicting classifications of pathogenicity. Review status: criteria provided, conflicting classifications (1 of 4 stars). 7 submissions from 7 submitters: Uncertain significance (5); Benign (1); Likely benign (1). Last evaluated 2025-12-16.

Conditions:
DDX41-related hematologic malignancy predisposition syndrome. Also called: Myeloproliferative/lymphoproliferative neoplasms, familial (multiple types), susceptibility to; DDX41-Associated Familial Myelodysplastic Syndrome and Acute Myeloid Leukemia. Identifiers: Orphanet 488647, MedGen C4225174, MONDO:0014809, OMIM 616871.
Inborn genetic diseases. Identifiers: MedGen C0950123, MeSH D030342.

Allele frequency attached by ClinVar (database versions not stated): gnomAD exomes 0.00007; ExAC 0.00011; gnomAD 0.00029 and 0.00032; TOPMed 0.00035; ESP Exome Variant Server 0.00046.
gnomAD v4.1: 71 of 1,612,758 alleles (0.0044%); highest among the groups gnomAD compares: African/African-American, 0.088%; no homozygotes.

Submissions (7):

Labcorp Genetics (formerly Invitae), Labcorp
Classification: Likely benign. Last evaluated: 2025-12-16. Review status: criteria provided, single submitter. Criteria: Invitae Variant Classification Sherloc (09022015). Collection method: clinical testing. Allele origin: germline.

Ambry Genetics
Classification: Benign for Inborn genetic diseases. Last evaluated: 2024-11-04. Review status: criteria provided, single submitter. Criteria: Ambry Variant Classification Scheme 2023. Collection method: clinical testing. Allele origin: germline.

Baylor Genetics
Classification: Uncertain significance for DDX41-related hematologic malignancy predisposition syndrome. Last evaluated: 2024-02-13. Review status: criteria provided, single submitter. Criteria: ACMG Guidelines, 2015. Collection method: clinical testing. Allele origin: unknown.

GeneDx
Classification: Uncertain significance. Last evaluated: 2023-07-27. Review status: criteria provided, single submitter. Criteria: GeneDx Variant Classification Process June 2021. Collection method: clinical testing. Allele origin: germline. Affected: yes.
Comment: In silico analysis supports that this missense variant does not alter protein structure/function; Identified in an individual with acute myeloid leukemia (Li et al., 2022); This variant is associated with the following publications: (PMID: 27721487, 35671390)

Johns Hopkins Genomics, Johns Hopkins University
Classification: Uncertain significance for DDX41-related hematologic malignancy predisposition syndrome. Last evaluated: 2021-08-17. Review status: criteria provided, single submitter. Criteria: ACMG Guidelines, 2015. Collection method: clinical testing. Allele origin: germline.
Comment: This DDX41 variant (rs138435584) is rare (<0.1%) in a large population dataset (gnomAD: 22/277156 total alleles; 0.008%; no homozygotes) and has not been reported in ClinVar nor the literature, to our knowledge. Three bioinformatic tools queried predict that this substitution would be tolerated, while the glutamic acid residue at this position is evolutionarily conserved across most species assessed. We consider the clinical significance of DDX41 c.6G>T to be uncertain at this time.

Genetic Services Laboratory, University of Chicago
Classification: Uncertain significance. Last evaluated: 2017-11-21. Review status: criteria provided, single submitter. Criteria: ACMG Guidelines, 2015. Collection method: clinical testing. Allele origin: germline. Affected: no.

Breakthrough Genomics
Classification: Uncertain significance. Review status: criteria provided, single submitter. Criteria: ACMG Guidelines, 2015. Collection method: not provided. Allele origin: germline. Inheritance: Autosomal dominant inheritance. Affected: yes.

Literature cited by the submitters: PubMed 35671390 (cited by Ambry Genetics); PubMed 37199125 (cited by Ambry Genetics); PubMed 37506341 (cited by Ambry Genetics); PubMed 27721487 (cited by Johns Hopkins Genomics, Johns Hopkins University).

NM_016222.4(DDX41):c.6G>T (p.Glu2Asp)

Gene: DDX41 (DEAD-box helicase 41; minus strand). Cytogenetic location: 5q35.3.
Variant type: single nucleotide variant.
Coding change: c.6G>T on transcript NM_016222.4 (MANE Select); coding-DNA position 6, G replaced by T.
Protein change: p.Glu2Asp; replaces glutamic acid 2 with aspartic acid.
Molecular consequence: missense variant. On other transcripts: 5 prime UTR variant (2).
Genome position (GRCh38, 1-based): chr5:177,516,940, C>A on the plus strand (G>T on the coding strand, the complement: DDX41 is on the minus strand). VCF-style: chr5-177516940-C-A. GRCh37 (hg19) VCF-style: chr5-176943941-C-A.
Other names: c.-650G>T (NM_001321732.2); c.-442G>T (NM_001321830.2); short protein forms E2D.
Identifiers: ClinVar variation 1275746 (VCV001275746.14), dbSNP rs138435584, ClinGen allele CA3585442.